The following is an entry in ClinVar:

ClinVar aggregate classification (germline): Uncertain significance (1 of 4 stars; one submission).

Conditions:
Inborn genetic diseases. Identifiers: MedGen C0950123, MeSH D030342.

Submission:

Ambry Genetics
Classification: Uncertain significance for Inborn genetic diseases. Last evaluated: 2025-04-02. Review status: criteria provided, single submitter. Criteria: Ambry Variant Classification Scheme 2023. Collection method: clinical testing. Allele origin: germline.
Comment: The p.R788G variant (also known as c.2362A>G), located in coding exon 1 of the SAMD9L gene, results from an A to G substitution at nucleotide position 2362. The arginine at codon 788 is replaced by glycine, an amino acid with dissimilar properties. This amino acid position is conserved. In addition, this alteration is predicted to be tolerated by in silico analysis. Based on the available evidence, the clinical significance of this variant remains unclear.

NM_152703.5(SAMD9L):c.2362A>G (p.Arg788Gly)

Gene: SAMD9L (sterile alpha motif domain containing 9 like; minus strand). Cytogenetic location: 7q21.2.
Variant type: single nucleotide variant.
Coding change: c.2362A>G on transcript NM_152703.5 (MANE Select); coding-DNA position 2362, A replaced by G.
Protein change: p.Arg788Gly; replaces arginine 788 with glycine.
Molecular consequence: missense variant.
Genome position (GRCh38, 1-based): chr7:93,133,610, T>C on the plus strand (A>G on the coding strand, the complement: SAMD9L is on the minus strand). VCF-style: chr7-93133610-T-C. GRCh37 (hg19) VCF-style: chr7-92762923-T-C.
Other names: c.2362A>G, p.Arg788Gly (NM_001303496.3, NM_001303497.3, NM_001303498.3 and 5 more transcripts); short protein forms R788G.
Identifiers: ClinVar variation 3949797 (VCV003949797.1).
Genomic context (GRCh38, chr7:93,133,610, plus strand): 5'-GTTCTTCAAAATCATCCACAAGGAGAAGCACAGGAATGTAATCCTGATGGCTCTTTGCCC[T>C]ATAGGTGACCAGATTGATCACTTGCTCTGCAATTTCTGCAAAATCAGTTGTCTTGTTTTT-3'
Protein context (NP_689916.2, residues 778-798): AEQVINLVTY[Arg788Gly]AKSHQDYIPV